The following is an entry in ClinVar:

ClinVar aggregate classification (germline): Uncertain significance (1 of 4 stars; one submission).

Conditions:
Alstrom syndrome (ALMS). Identifiers: Orphanet 64, MedGen C0268425, MONDO:0008763, OMIM 203800.

Submission:

Labcorp Genetics (formerly Invitae), Labcorp
Classification: Uncertain significance for Alstrom syndrome. Last evaluated: 2021-08-23. Review status: criteria provided, single submitter. Criteria: Invitae Variant Classification Sherloc (09022015). Collection method: clinical testing. Allele origin: germline.
Comment: In summary, the available evidence is currently insufficient to determine the role of this variant in disease. Therefore, it has been classified as a Variant of Uncertain Significance. Experimental studies and prediction algorithms are not available or were not evaluated, and the functional significance of this variant is currently unknown. This variant has not been reported in the literature in individuals affected with ALMS1-related conditions. This variant is not present in population databases (ExAC no frequency). This sequence change replaces threonine with asparagine at codon 3051 of the ALMS1 protein (p.Thr3051Asn). The threonine residue is highly conserved and there is a small physicochemical difference between threonine and asparagine.

NM_001378454.1(ALMS1):c.9149C>A (p.Thr3050Asn)

Gene: ALMS1 (ALMS1 centrosome and basal body associated protein; plus strand). Cytogenetic location: 2p13.1.
Variant type: single nucleotide variant.
Coding change: c.9149C>A on transcript NM_001378454.1 (MANE Select); coding-DNA position 9149, C replaced by A.
Protein change: p.Thr3050Asn; replaces threonine 3050 with asparagine.
Molecular consequence: missense variant.
Genome position (GRCh38, 1-based): chr2:73,491,108, C>A. VCF-style: chr2-73491108-C-A. GRCh37 (hg19) VCF-style: chr2-73718235-C-A.
Other names: c.9152C>A, p.Thr3051Asn (NM_015120.4); short protein forms T3050N, T3051N.
Identifiers: ClinVar variation 1412957 (VCV001412957.6), dbSNP rs2103894928, ClinGen allele CA347273272.
Genomic context (GRCh38, chr2:73,491,108, plus strand): 5'-TAGCAGCATCTGCATCTACTCCTCCTTCAAATAGAAAAGCACTTTCTTGTGTTCATATAA[C>A]TCTTTGTCCCAAGACTTCTTCCAAGTTGGATAGTGGAACTTTAGATGAAAGATTCCATTC-3'
Protein context (NP_001365383.1, residues 3040-3060): NRKALSCVHI[Thr3050Asn]LCPKTSSKLD